The following is an entry in ClinVar:

ClinVar aggregate classification (germline): Uncertain significance (1 of 4 stars; one submission).

Allele frequency attached by ClinVar (database versions not stated): gnomAD 0.00001; TOPMed 0.00002; gnomAD exomes below 0.00001.
gnomAD v4.1: 7 of 1,613,918 alleles (0.00043%); highest among the groups gnomAD compares: African/African-American, 0.0093%; no homozygotes.

Submission:

Labcorp Genetics (formerly Invitae), Labcorp
Classification: Uncertain significance. Last evaluated: 2022-08-21. Review status: criteria provided, single submitter. Criteria: Invitae Variant Classification Sherloc (09022015). Collection method: clinical testing. Allele origin: germline.
Comment: In summary, the available evidence is currently insufficient to determine the role of this variant in disease. Therefore, it has been classified as a Variant of Uncertain Significance. Algorithms developed to predict the effect of missense changes on protein structure and function are either unavailable or do not agree on the potential impact of this missense change (SIFT: "Deleterious"; PolyPhen-2: "Probably Damaging"; Align-GVGD: "Class C15"). ClinVar contains an entry for this variant (Variation ID: 1682433). This variant has not been reported in the literature in individuals affected with KARS-related conditions. This variant is present in population databases (no rsID available, gnomAD 0.007%). This sequence change replaces asparagine, which is neutral and polar, with tyrosine, which is neutral and polar, at codon 300 of the KARS protein (p.Asn300Tyr).

NM_005548.3(KARS1):c.814A>T (p.Asn272Tyr)

Gene: KARS1 (lysyl-tRNA synthetase 1; minus strand). Cytogenetic location: 16q23.1.
Variant type: single nucleotide variant.
Coding change: c.814A>T on transcript NM_005548.3 (MANE Select); coding-DNA position 814, A replaced by T.
Protein change: p.Asn272Tyr; replaces asparagine 272 with tyrosine.
Molecular consequence: missense variant.
Genome position (GRCh38, 1-based): chr16:75,634,274, T>A on the plus strand (A>T on the coding strand, the complement: KARS1 is on the minus strand). VCF-style: chr16-75634274-T-A. GRCh37 (hg19) VCF-style: chr16-75668172-T-A.
Other names: c.898A>T, p.Asn300Tyr (NM_001130089.2); c.346A>T, p.Asn116Tyr (NM_001378148.1); short protein forms N116Y, N272Y, N300Y.
Identifiers: ClinVar variation 1682433 (VCV001682433.6), dbSNP rs972789417, ClinGen allele CA284321730.
Genomic context (GRCh38, chr16:75,634,274, plus strand): 5'-TGTCCAGCTCGTTGTGATAAGTGATGAAAGGCTTGGCCACGGCTCCCCCTGGGATGATGT[T>A]CATCATGGGAGTTTCAATCTAAAAAAGGCAGGGAGAAACATCAGTCCTTAGATAACCAGA-3'
Protein context (NP_005539.1, residues 262-282): GFLEIETPMM[Asn272Tyr]IIPGGAVAKP